The following is an entry in ClinVar:

NM_000059.4(BRCA2):c.793+16_793+48dup

Gene: BRCA2 (BRCA2 DNA repair associated; plus strand). Cytogenetic location: 13q13.1.
Variant type: Duplication.
Coding change: c.793+16_793+48dup on transcript NM_000059.4 (MANE Select); bases 16 to 48 of the intron after coding-DNA position 793, 33 bases duplicated.
Molecular consequence: intron variant.
Genome position (GRCh38, 1-based): chr13:32,331,046-32,331,078, 33 bases duplicated; duplicating any 33 consecutive bases within chr13:32,331,044-32,331,078 gives the same sequence; the c. name uses the placement nearest the transcript's 3' end. GRCh37 (hg19): chr13:32,905,183-32,905,215.
Other names: c.793+16_793+48dup (NM_001406720.1, NM_001406719.1, NM_001406721.1); c.424+16_424+48dup (NM_001406722.1).
Identifiers: ClinVar variation 2806932 (VCV002806932.3), dbSNP rs2548518161, ClinGen allele CA2739277532.
Genomic context (GRCh38, chr13:32,331,043, plus strand): 5'-CTGTGACAGACAGTGAAAACACAAATCAAAGAGAAGCTGCAAGTCATGGTAAGTCCTCTG[T>TTTAGTTGAACTACAGGTTTTTTTGTTGTTGTTG]TTAGTTGAACTACAGGTTTTTTTGTTGTTGTTGTTTTGATTTTTTTTTTTTGAGGTGGAG-3'

ClinVar aggregate classification (germline): Uncertain significance (1 of 4 stars; one submission).

Conditions:
Hereditary breast ovarian cancer syndrome. Also called: Hereditary breast and ovarian cancer syndrome; Breast and ovarian cancer; BRCA1- and BRCA2-Associated Hereditary Breast and Ovarian Cancer; Hereditary breast and ovarian cancer syndrome (HBOC); Hereditary breast and/or ovarian cancer syndrome; Hereditary breast and ovarian cancer. Identifiers: Orphanet 145, MedGen C0677776, MeSH D061325, MONDO:0003582. Disease mechanism: loss of function.

Submission:

Labcorp Genetics (formerly Invitae), Labcorp
Classification: Uncertain significance for Hereditary breast ovarian cancer syndrome. Last evaluated: 2024-02-23. Review status: criteria provided, single submitter. Criteria: Invitae Variant Classification Sherloc (09022015). Collection method: clinical testing. Allele origin: germline.
Comment: This sequence change falls in intron 9 of the BRCA2 gene. It does not directly change the encoded amino acid sequence of the BRCA2 protein. This variant is not present in population databases (gnomAD no frequency). This variant has not been reported in the literature in individuals affected with BRCA2-related conditions. Experimental studies and prediction algorithms are not available or were not evaluated, and the effect of this variant on mRNA splicing is currently unknown. In summary, the available evidence is currently insufficient to determine the role of this variant in disease. Therefore, it has been classified as a Variant of Uncertain Significance.